The following is an entry in ClinVar:

NM_014014.5(SNRNP200):c.784G>A (p.Asp262Asn)

Gene: SNRNP200 (small nuclear ribonucleoprotein U5 subunit 200; minus strand). Cytogenetic location: 2q11.2.
Variant type: single nucleotide variant.
Coding change: c.784G>A on transcript NM_014014.5 (MANE Select); coding-DNA position 784, G replaced by A.
Protein change: p.Asp262Asn; replaces aspartic acid 262 with asparagine.
Molecular consequence: missense variant.
Genome position (GRCh38, 1-based): chr2:96,298,913, C>T on the plus strand (G>A on the coding strand, the complement: SNRNP200 is on the minus strand). VCF-style: chr2-96298913-C-T. GRCh37 (hg19) VCF-style: chr2-96964651-C-T.
Other names: short protein forms D262N.
Identifiers: ClinVar variation 1993859 (VCV001993859.4), dbSNP rs2467352464, ClinGen allele CA347685310.
Genomic context (GRCh38, chr2:96,298,913, plus strand): 5'-ACACGATGGCATCATCATAGAAACGACTGAGCTGCCGCTGCAGCCAAAATGCATCAATAT[C>T]CCGAGGGTGCAAATCCTTCTTCTTGGAACTCATCAGTTCACCTGAGGCTACGAGCTATAA-3'
Protein context (NP_054733.2, residues 252-272): SSKKKDLHPR[Asp262Asn]IDAFWLQRQL

ClinVar aggregate classification (germline): Uncertain significance (1 of 4 stars; one submission).

Submission:

Labcorp Genetics (formerly Invitae), Labcorp
Classification: Uncertain significance. Last evaluated: 2022-07-25. Review status: criteria provided, single submitter. Criteria: Invitae Variant Classification Sherloc (09022015). Collection method: clinical testing. Allele origin: germline.
Comment: Algorithms developed to predict the effect of missense changes on protein structure and function (SIFT, PolyPhen-2, Align-GVGD) all suggest that this variant is likely to be tolerated. In summary, the available evidence is currently insufficient to determine the role of this variant in disease. Therefore, it has been classified as a Variant of Uncertain Significance. This variant has not been reported in the literature in individuals affected with SNRNP200-related conditions. This variant is not present in population databases (gnomAD no frequency). This sequence change replaces aspartic acid, which is acidic and polar, with asparagine, which is neutral and polar, at codon 262 of the SNRNP200 protein (p.Asp262Asn).